The following continues an entry in ClinVar:

NM_000257.4(MYH7):c.1988G>A (p.Arg663His)

Gene: MYH7. ClinVar aggregate classification (germline): Pathogenic. Pathogenic (1).

Submissions 17 to 27 of 36:

ARUP Laboratories, Molecular Genetics and Genomics, ARUP Laboratories
Classification: Pathogenic. Last evaluated: 2022-01-07. Review status: criteria provided, single submitter. Criteria: ARUP Molecular Germline Variant Investigation Process 2021. Collection method: clinical testing. Allele origin: germline. Not counted in ClinVar's aggregate classification.
Comment: The MYH7 c.1988G>A; p.Arg663His variant (rs371898076) was initially reported in a large hypertrophic cardiomyopathy (HC) pedigree (Gruver 1999) and has since been reported in a large number of HC patients from ethnically diverse populations (Bales 2016, Bashyam 2012, Brito 2012, Chiou 2015, Garcia-Castro 2009, Greber-Platzer 2001, Ingles 2005, Liu 2013, Marsiglia 2013, Miller 2013, Mohiddin 2003, Richard 2003, Song 2005, van Driest 2004, van Rijsingen 2009, Wang 2014, Zou 2013). Other variants affecting the same codon and other nearby codons have also been reported to be pathogenic, suggesting this is a mutational hot-spot (e.g. Curila 2012, Richard 2003, Song 2005, van Driest 2004). Structural studies indicate that this amino acid is located at the myosin-actin interface (Bashyam 2012), and functional cell-based studies demonstrate that the presence of this variant results in calcium dysregulation and elevated intracellular calcium levels (Lan 2013). This variant is listed in the genome Aggregation Database (gnomAD) with an overall population frequency of 0.001% (4/282,842 alleles) and is categorized in ClinVar as pathogenic/likely pathogenic (Variation ID: 42875). Based on the available information, this variant is classified as pathogenic. References: Bales ND et al. Comprehensive Versus Targeted Genetic Testing in Children with Hypertrophic Cardiomyopathy. Pediatr Cardiol. 2016 Jun;37(5):845-51. Bashyam MD et al. A low prevalence of MYH7/MYBPC3 mutations among familial hypertrophic cardiomyopathy patients in India. Mol Cell Biochem. 2012 Jan;360(1-2):373-82. Brito D et al. Sarcomeric hypertrophic cardiomyopathy: genetic profile in a Portuguese population. Rev Port Cardiol. 2012 Sep;31(9):577-87. Doi: 10.1016/j.repc.2011.12.020. Chiou KR et al. Detection of mutations in symptomatic patients with hypertrophic cardiomyopathy in Taiwan. J Cardiol. 2015 Mar;65(3):250-6. Curila K et al. Spectrum and clinical manifestations of mutations in genes responsible for hypertrophic cardiomyopathy. Acta Cardiol. 2012 Feb;67(1):23-9. Garcia-Castro M et al. Mutations in sarcomeric genes MYH7, MYBPC3, TNNT2, TNNI3, and TPM1 in patients with hypertrophic cardiomyopathy. Rev Esp Cardiol. 2009 Jan;62(1):48-56. Greber-Platzer S et al. Beta-myosin heavy chain gene mutations and hypertrophic cardiomyopathy in Austrian children. J Mol Cell Cardiol. 2001 Jan;33(1):141-8. Gruver EJ et al. Familial hypertrophic cardiomyopathy and atrial fibrillation caused by Arg663His beta-cardiac myosin heavy chain mutation. Am J Cardiol. 1999 Jun 17;83(12A):13H-18H. Ingles J et al. Compound and double mutations in patients with hypertrophic cardiomyopathy: implications for genetic testing and counselling. J Med Genet. 2005 Oct;42(10):e59. Lan F et al. Abnormal calcium handling properties underlie familial hypertrophic cardiomyopathy pathology in patient-specific induced pluripotent stem cells. Cell Stem Cell. 2013 Jan 3;12(1):101-13. Liu W et al. Mutation spectrum in a large cohort of unrelated Chinese patients with hypertrophic cardiomyopathy. Am J Cardiol. 2013 Aug 15;112(4):585-9. Marsiglia JD et al. Screening of MYH7, MYBPC3, and TNNT2 genes in Brazilian patients with hypertrophic cardiomyopathy. Am Heart J. 2013 Oct;166(4):775-82. Miller EM et al. Uptake of cardiac screening and genetic testing among hypertrophic and dilated cardiomyopathy families. J Genet Couns. 2013 Apr;22(2):258-67. Mohiddin SA et al. Utility of genetic screening in hypertrophic cardiomyopathy: prevalence and significance of novel and double (homozygous and heterozygous) beta-myosin mutations. Genet Test. 2003 Spring;7(1):21-7. Richard P et al. Hypertrophic cardiomyopathy: distribution of disease genes, spectrum of mutations, and implications for a molecular diagnosis strategy. Circulation. 2003 May 6;107(17):2227-32. Song L et al. Mutations profile in Chinese patients with hypertrophic cardiomyopathy. Clin Chim Acta. 2005 Jan;351(1-2):209-16. van Driest SL et al. Comprehensive analysis of the beta-myosin heavy chain gene in 389 unrelated patients with hypertrophic cardiomyopathy. J Am Coll Cardiol. 2004 Aug 4;44(3):602-10. van Rijsingen IA et al. Hypertrophic cardiomyopathy family with double-heterozygous mutations; does disease severity suggest doubleheterozygosity? Neth Heart J. 2009 Dec;17(12):458-63. Wang J et al. Malignant effects of multiple rare variants in sarcomere genes on the prognosis of patients with hypertrophic cardiomyopathy. Eur J Heart Fail. 2014 Sep;16(9):950-7. Zou Y et al. Multiple gene mutations, not the type of mutation, are the modifier of left ventricle hypertrophy in patients with hypertrophic cardiomyopathy. Mol Biol Rep. 2013 Jun;40(6):3969-76.

Fulgent Genetics
Classification: Pathogenic for MYH7-related skeletal myopathy; Myosin storage myopathy; Hypertrophic cardiomyopathy 1; Myopathy, myosin storage, autosomal recessive; Congenital myopathy 4A, autosomal dominant; Dilated cardiomyopathy 1S. Last evaluated: 2021-10-30. Review status: criteria provided, single submitter. Criteria: ACMG Guidelines, 2015. Collection method: clinical testing. Allele origin: unknown. Not counted in ClinVar's aggregate classification.

Institute of Medical Genetics and Applied Genomics, University Hospital Tübingen
Classification: Pathogenic. Last evaluated: 2020-10-23. Review status: criteria provided, single submitter. Criteria: ACMG Guidelines, 2015. Collection method: clinical testing. Allele origin: germline. Inheritance: Unknown mechanism. Affected: yes. Not counted in ClinVar's aggregate classification.

Clinical Genetics Laboratory, Region Ostergotland
Classification: Pathogenic for Hypertrophic cardiomyopathy 1. Last evaluated: 2020-09-07. Review status: criteria provided, single submitter. Criteria: ACMG Guidelines, 2015. Collection method: clinical testing. Allele origin: germline. Affected: yes. Not counted in ClinVar's aggregate classification.
Comment: PS4, PM1, PM5, PP5, PS3

Center for Human Genetics, University of Leuven
Classification: Pathogenic for Hypertrophic cardiomyopathy. Last evaluated: 2018-10-31. Review status: criteria provided, single submitter. Criteria: ACMG Guidelines, 2015. Collection method: clinical testing. Allele origin: germline. Affected: yes. Not counted in ClinVar's aggregate classification.

Human Genome Sequencing Center Clinical Lab, Baylor College of Medicine
Classification: Pathogenic for Familial hypertrophic cardiomyopathy 1. Last evaluated: 2018-10-10. Review status: criteria provided, single submitter. Criteria: ACMG Guidelines, 2015. Collection method: clinical testing. Allele origin: germline. Not counted in ClinVar's aggregate classification.
Comment: This c.1988G>A (p.Arg663His) variant in the MYH7 gene has been reported in multiple unrelated individiuals affected with hypertrophic cardiomyopathy (PMID 10750581, 11133230, 15358028, 15563892, 21959974, 22112859, 23233322, 23290139) and segregates with disease in two families (PMID 10750581, 23290139). This variant is absent in the general population. This variant is located in myosin head domain of the MYH7 gene where multiple pathogenic variants have been identified. Therefore, this c.1988G>A (p.Arg663His) variant in the MYH7 gene is classified as pathogenic.

Center of Genomic medicine, Geneva, University Hospital of Geneva
Classification: Pathogenic for Hypertrophic cardiomyopathy 1. Last evaluated: 2017-07-17. Review status: criteria provided, single submitter. Criteria: ACMG Guidelines, 2015. Collection method: clinical testing. Allele origin: germline. Affected: yes. Not counted in ClinVar's aggregate classification.

Knight Diagnostic Laboratories, Oregon Health and Sciences University
Classification: Pathogenic for Cardiomyopathy, hypertrophic. Last evaluated: 2016-06-17. Review status: criteria provided, single submitter. Criteria: ACMG Guidelines, 2015. Collection method: clinical testing. Allele origin: germline. Observed: 1 variant allele. Not counted in ClinVar's aggregate classification.

Women's Health and Genetics/Laboratory Corporation of America, LabCorp
Classification: Pathogenic for Cardiovascular phenotype. Last evaluated: 2016-06-08. Review status: criteria provided, single submitter. Criteria: LabCorp Variant Classification Summary - May 2015. Collection method: clinical testing. Allele origin: germline. Not counted in ClinVar's aggregate classification.
Comment: Variant summary: The MYH7 c.1988G>A (p.Arg663His) variant involves the alteration of a conserved nucleotide. 5/5 in silico tools predict a damaging outcome for this variant, and several functional assays indicate that this variant is functionally defective (Lan_CSC_2013). This variant was found in 2/121338 control chromosomes at a frequency of 0.0000165, which does not exceed the estimated maximal expected allele frequency of a pathogenic MYH7 variant (0.0010005). It has been identified in numerous HCM patients in the literature, and has been shown to co-segregate with disease (Gruver_AJC_1999). Additionally, multiple clinical labs have classified the variant as pathogenic. Taken together, this variant is classified as pathogenic.

Laboratory for Molecular Medicine, Mass General Brigham Personalized Medicine
Classification: Pathogenic for Hypertrophic cardiomyopathy. Last evaluated: 2014-03-14. Review status: criteria provided, single submitter. Criteria: LMM Criteria. Collection method: clinical testing. Allele origin: germline. Inheritance: Autosomal dominant inheritance. Observed: 53 variant alleles. Not counted in ClinVar's aggregate classification.
Comment: The p.Arg663His variant in MYH7 has previously been reported in >40 individuals with HCM and was shown to segregate with disease in >25 affected relatives (Gruv er 1999, Greber-Platzer 2001, Mohiddin 2003, Richard 2003, Van Driest 2004, Song 2005, Ingles 2005, Zou 2013, Lan 2013, LMM unpublished data). This variant has been identified in 0.01% (1/8600) of European American chromosomes by the NHLBI Exome Sequencing Project. Functional studies showed that this variant impacts protein function (Lan 2013); however, this in vitro assay may not accurately represent biological function. This variant meets our criteria to be classified as pathogenic (edmedicine/LMM) based upon frequency in cases relative to the general population and extensive segregation with disease.

Stanford Center for Inherited Cardiovascular Disease, Stanford University
Classification: Pathogenic. Last evaluated: 2014-02-06. Review status: criteria provided, single submitter. Criteria: ACMG Guidelines, 2015. Collection method: provider interpretation. Allele origin: germline. Not counted in ClinVar's aggregate classification.